The following is an entry in ClinVar:

ClinVar aggregate classification (germline): Uncertain significance (1 of 4 stars; one submission).

Conditions:
Peroxisome biogenesis disorder. Identifiers: Orphanet 79189, MedGen C1832200, MONDO:0019234. Disease mechanism: loss of function.

Submission:

Labcorp Genetics (formerly Invitae), Labcorp
Classification: Uncertain significance for Peroxisome biogenesis disorder. Last evaluated: 2022-08-31. Review status: criteria provided, single submitter. Criteria: Invitae Variant Classification Sherloc (09022015). Collection method: clinical testing. Allele origin: germline.
Comment: This variant is not present in population databases (gnomAD no frequency). This sequence change replaces glutamic acid, which is acidic and polar, with alanine, which is neutral and non-polar, at codon 661 of the PEX6 protein (p.Glu661Ala). This variant has not been reported in the literature in individuals affected with PEX6-related conditions. ClinVar contains an entry for this variant (Variation ID: 1422798). Algorithms developed to predict the effect of missense changes on protein structure and function output the following: SIFT: "Tolerated"; PolyPhen-2: "Benign"; Align-GVGD: "Class C0". The alanine amino acid residue is found in multiple mammalian species, which suggests that this missense change does not adversely affect protein function. In summary, the available evidence is currently insufficient to determine the role of this variant in disease. Therefore, it has been classified as a Variant of Uncertain Significance.

NM_000287.4(PEX6):c.1982A>C (p.Glu661Ala)

Gene: PEX6 (peroxisomal biogenesis factor 6; minus strand). Cytogenetic location: 6p21.1.
Variant type: single nucleotide variant.
Coding change: c.1982A>C on transcript NM_000287.4 (MANE Select); coding-DNA position 1982, A replaced by C.
Protein change: p.Glu661Ala; replaces glutamic acid 661 with alanine.
Molecular consequence: missense variant. On other transcripts: non-coding transcript variant (1).
Genome position (GRCh38, 1-based): chr6:42,966,637, T>G on the plus strand (A>C on the coding strand, the complement: PEX6 is on the minus strand). VCF-style: chr6-42966637-T-G. GRCh37 (hg19) VCF-style: chr6-42934375-T-G.
Other names: c.1718A>C, p.Glu573Ala (NM_001316313.2); short protein forms E661A, E573A.
Identifiers: ClinVar variation 1422798 (VCV001422798.6), dbSNP rs2114240531, ClinGen allele CA364152928.